The following is an entry in ClinVar:

ClinVar aggregate classification (germline): Benign/Likely benign. Review status: criteria provided, multiple submitters, no conflicts (2 of 4 stars). 4 submissions from 4 submitters: Benign (2); Likely benign (2). Last evaluated 2025-10-20.

Conditions:
Palmoplantar keratoderma-esophageal carcinoma syndrome (TOC). Also called: PALMOPLANTAR KERATODERMA WITH ESOPHAGEAL CANCER; KERATOSIS PALMARIS ET PLANTARIS WITH ESOPHAGEAL CANCER; Tylosis with Esophageal Cancer. Identifiers: Orphanet 2198, MedGen C1835664, MONDO:0007856, OMIM 148500.

Allele frequency attached by ClinVar (database versions not stated): gnomAD exomes 0.00016 and 0.00038; ExAC 0.00043; ESP Exome Variant Server 0.00161; gnomAD 0.00161 and 0.00173; 1000 Genomes Project 30x 0.00172; TOPMed 0.00173; 1000 Genomes Project 0.00180.
gnomAD v4.1: 475 of 1,595,300 alleles (0.03%); highest among the groups gnomAD compares: African/African-American, 0.58%; 1 homozygote.

Submissions (4):

Labcorp Genetics (formerly Invitae), Labcorp
Classification: Benign. Last evaluated: 2025-10-20. Review status: criteria provided, single submitter. Criteria: Invitae Variant Classification Sherloc (09022015). Collection method: clinical testing. Allele origin: germline.

Blueprint Genetics
Classification: Likely benign. Last evaluated: 2024-06-20. Review status: criteria provided, single submitter. Criteria: ACMG Guidelines, 2015. Collection method: clinical testing. Allele origin: germline.

KCCC/NGS Laboratory, Kuwait Cancer Control Center
Classification: Likely benign for Palmoplantar keratoderma-esophageal carcinoma syndrome. Last evaluated: 2023-07-07. Review status: criteria provided, single submitter. Criteria: ACMG Guidelines, 2015. Collection method: clinical testing. Allele origin: germline. Affected: yes.

Illumina Laboratory Services, Illumina
Classification: Benign for Palmoplantar keratoderma-esophageal carcinoma syndrome. Last evaluated: 2018-01-13. Review status: criteria provided, single submitter. Criteria: ICSL Variant Classification Criteria 13 December 2019. Collection method: clinical testing. Allele origin: germline.
Comment: This variant was observed in the ICSL laboratory as part of a predisposition screen in an ostensibly healthy population. It had not been previously curated by ICSL or reported in the Human Gene Mutation Database (HGMD: prior to June 1st, 2018), and was therefore a candidate for classification through an automated scoring system. Utilizing variant allele frequency, disease prevalence and penetrance estimates, and inheritance mode, an automated score was calculated to assess if this variant is too frequent to cause the disease. Based on the score and internal cut-off values, a variant classified as benign is not then subjected to further curation. The score for this variant resulted in a classification of benign for this disease.

NM_001005498.4(RHBDF2):c.525G>A (p.Arg175=)

Gene: RHBDF2 (rhomboid 5 homolog 2; minus strand). Cytogenetic location: 17q25.1.
Variant type: single nucleotide variant.
Coding change: c.525G>A on transcript NM_001005498.4 (MANE Select); coding-DNA position 525, G replaced by A.
Protein change: p.Arg175=; no amino-acid change (arginine 175 retained).
Molecular consequence: synonymous variant. On other transcripts: non-coding transcript variant (3).
Genome position (GRCh38, 1-based): chr17:76,478,953, C>T on the plus strand (G>A on the coding strand, the complement: RHBDF2 is on the minus strand). VCF-style: chr17-76478953-C-T. GRCh37 (hg19) VCF-style: chr17-74475035-C-T.
Other names: c.525G>A, p.Arg175= (NM_001376228.1, NM_001376229.1, NM_001376230.1); c.612G>A, p.Arg204= (NM_024599.5).
Identifiers: ClinVar variation 325456 (VCV000325456.15), dbSNP rs151290253, ClinGen allele CA8787322.